The following is an entry in ClinVar:

ClinVar aggregate classification (germline): Benign/Likely benign. Review status: criteria provided, multiple submitters, no conflicts (2 of 4 stars). 4 submissions from 4 submitters: Benign (2); Likely benign (2). Last evaluated 2025-05-14.

Conditions:
Hereditary cancer-predisposing syndrome. Also called: Neoplastic Syndromes, Hereditary; Tumor predisposition; Hereditary Cancer Syndrome; Hereditary neoplastic syndrome. Identifiers: Orphanet 140162, MedGen C0027672, MeSH D009386, MONDO:0015356.
Tuberous sclerosis 2 (TSC2). Identifiers: Orphanet 805, MedGen C1860707, MONDO:0013199, OMIM 613254.

Submissions (4):

Myriad Genetics, Inc.
Classification: Benign for Tuberous sclerosis 2. Last evaluated: 2025-05-14. Review status: criteria provided, single submitter. Criteria: Myriad Autosomal Dominant, Autosomal Recessive and X-Linked Classification Criteria (2023). Collection method: clinical testing. Allele origin: unknown.
Comment: This variant is considered benign. This variant is a silent/synonymous amino acid change and it is not expected to impact splicing.

Labcorp Genetics (formerly Invitae), Labcorp
Classification: Likely benign for Tuberous sclerosis 2. Last evaluated: 2025-02-13. Review status: criteria provided, single submitter. Criteria: Invitae Variant Classification Sherloc (09022015). Collection method: clinical testing. Allele origin: germline.

Genome-Nilou Lab
Classification: Benign for Tuberous sclerosis 2. Last evaluated: 2021-11-07. Review status: criteria provided, single submitter. Criteria: ACMG Guidelines, 2015. Collection method: clinical testing. Allele origin: germline. Affected: no.

Ambry Genetics
Classification: Likely benign for Hereditary cancer-predisposing syndrome. Last evaluated: 2018-12-12. Review status: criteria provided, single submitter. Criteria: Ambry Variant Classification Scheme 2023. Collection method: clinical testing. Allele origin: germline.

NM_000548.5(TSC2):c.1491C>G (p.Pro497=)

Gene: TSC2 (TSC complex subunit 2; plus strand). Cytogenetic location: 16p13.3.
Variant type: single nucleotide variant.
Coding change: c.1491C>G on transcript NM_000548.5 (MANE Select); coding-DNA position 1491, C replaced by G.
Protein change: p.Pro497=; no amino-acid change (proline 497 retained).
Molecular consequence: synonymous variant.
Genome position (GRCh38, 1-based): chr16:2,064,319, C>G. VCF-style: chr16-2064319-C-G. GRCh37 (hg19) VCF-style: chr16-2114320-C-G.
Other names: c.1491C>G, p.Pro497= (NM_001077183.3, NM_001114382.3, NM_001363528.2 and 3 more transcripts); c.1380C>G, p.Pro460= (NM_001318827.2); c.1344C>G, p.Pro448= (NM_001318829.2); c.891C>G, p.Pro297= (NM_001318831.2); c.1524C>G, p.Pro508= (NM_001318832.2).
Identifiers: ClinVar variation 536086 (VCV000536086.19), dbSNP rs781367910, ClinGen allele CA030847.